The following is an entry in ClinVar:

ClinVar aggregate classification (germline): Likely benign. Review status: criteria provided, multiple submitters, no conflicts (2 of 4 stars). 2 submissions from 2 submitters: Likely benign (2). Last evaluated 2025-09-02.

Conditions:
Neonatal encephalomyopathy-cardiomyopathy-respiratory distress syndrome. Also called: Coenzyme Q10 deficiency, primary, 7. Identifiers: Orphanet 457185, MedGen C5568562, MONDO:0014562, OMIM 616276.

Allele frequency attached by ClinVar (database versions not stated): TOPMed 0.00007.
gnomAD v4.1: 295 of 1,614,082 alleles (0.018%); highest among the groups gnomAD compares: Middle Eastern, 0.033%; no homozygotes.

Submissions (2):

Labcorp Genetics (formerly Invitae), Labcorp
Classification: Likely benign for Neonatal encephalomyopathy-cardiomyopathy-respiratory distress syndrome. Last evaluated: 2025-09-02. Review status: criteria provided, single submitter. Criteria: Invitae Variant Classification Sherloc (09022015). Collection method: clinical testing. Allele origin: germline.

GeneDx
Classification: Likely benign. Last evaluated: 2018-04-11. Review status: criteria provided, single submitter. Criteria: GeneDx Variant Classification (06012015). Collection method: clinical testing. Allele origin: germline. Affected: yes.
Comment: This variant is considered likely benign or benign based on one or more of the following criteria: it is a conservative change, it occurs at a poorly conserved position in the protein, it is predicted to be benign by multiple in silico algorithms, and/or has population frequency not consistent with disease.

NM_016035.5(COQ4):c.357G>A (p.Pro119=)

Gene: COQ4 (coenzyme Q4; plus strand). Cytogenetic location: 9q34.11.
Variant type: single nucleotide variant.
Coding change: c.357G>A on transcript NM_016035.5 (MANE Select); coding-DNA position 357, G replaced by A.
Protein change: p.Pro119=; no amino-acid change (proline 119 retained).
Molecular consequence: synonymous variant. On other transcripts: missense variant (1).
Genome position (GRCh38, 1-based): chr9:128,325,836, G>A. VCF-style: chr9-128325836-G-A. GRCh37 (hg19) VCF-style: chr9-131088115-G-A.
Other names: c.260G>A, p.Arg87Gln (NM_001305942.2); short protein forms R87Q.
Identifiers: ClinVar variation 681418 (VCV000681418.8), dbSNP rs138917651, ClinGen allele CA5260528.